The following is an entry in ClinVar:

NM_001164508.2(NEB):c.20048dup (p.Tyr6683Ter)

Gene: NEB (nebulin; minus strand). Cytogenetic location: 2q23.3.
Variant type: Duplication.
Coding change: c.20048dup on transcript NM_001164508.2 (MANE Select); coding-DNA position 20048, one base duplicated (A; older notation c.20048dupA).
Protein change: p.Tyr6683Ter; replaces tyrosine 6683 with a stop codon.
Molecular consequence: nonsense.
Genome position (GRCh38, 1-based): chr2:151,549,637, T duplicated on the plus strand (A on the coding strand, the reverse complement: NEB is on the minus strand). VCF-style (leftmost placement, unchanged base first): chr2-151549636-A-AT. GRCh37 (hg19) VCF-style: chr2-152406150-A-AT.
Other names: c.20048dup, p.Tyr6683Ter (NM_001164507.2, NM_001271208.2); c.14945dup, p.Tyr4982Ter (NM_004543.5); short protein forms Y4982*, Y6683*.
Identifiers: ClinVar variation 5004365 (VCV005004365.1).

ClinVar aggregate classification (germline): Pathogenic (1 of 4 stars; one submission).

Conditions:
Nemaline myopathy 2 (NEM2). Also called: Nemaline myopathy 2, autosomal recessive. Identifiers: MedGen C1850569, MONDO:0009725, OMIM 256030.

Submission:

Myriad Genetics, Inc.
Classification: Pathogenic for Nemaline myopathy 2. Last evaluated: 2026-01-07. Review status: criteria provided, single submitter. Criteria: Myriad Autosomal Dominant, Autosomal Recessive and X-Linked Classification Criteria (2023). Collection method: clinical testing. Allele origin: unknown.
Comment: NM_001271208.1(NEB):c.20048dupA(Y6683*) is a nonsense variant classified as pathogenic in the context of NEB-related nemaline myopathy. Y6683* has not been observed in cases with relevant disease. Relevant functional assessments of this variant are not available in the literature. Y6683* has not been observed in referenced population frequency databases. In summary, NM_001271208.1(NEB):c.20048dupA(Y6683*) is a nonsense variant in a gene where loss of function is a known mechanism of disease and is predicted to disrupt protein function. Please note: this variant was assessed in the context of healthy population screening.